The following is an entry in ClinVar:

ClinVar aggregate classification (germline): Conflicting classifications of pathogenicity. Review status: criteria provided, conflicting classifications (1 of 4 stars). 3 submissions from 3 submitters: Uncertain significance (1); Likely benign (1). 1 of the submissions does not count toward it. Last evaluated 2024-12-03.

Conditions:
Inborn genetic diseases. Identifiers: MedGen C0950123, MeSH D030342.
Cognitive impairment - coarse facies - heart defects - obesity - pulmonary involvement - short stature - skeletal dysplasia syndrome. Also called: AFF4-Related CHOPS Syndrome; COGNITIVE IMPAIRMENT, COARSE FACIES, HEART DEFECTS, OBESITY, PULMONARY INVOLVEMENT, SHORT STATURE, AND SKELETAL DYSPLASIA; Chops syndrome. Identifiers: Orphanet 444077, MedGen C4085597, MONDO:0014609, OMIM 616368.
AFF4-related disorder. Also called: AFF4-related condition.

Allele frequency attached by ClinVar (database versions not stated): gnomAD 0.00001; TOPMed 0.00003; gnomAD exomes 0.00004 and 0.00008; ExAC 0.00006.
gnomAD v4.1: 27 of 1,614,104 alleles (0.0017%); highest among the groups gnomAD compares: Admixed American, 0.045%; no homozygotes.

Submissions (3):

Ambry Genetics
Classification: Likely benign for Inborn genetic diseases. Last evaluated: 2024-12-03. Review status: criteria provided, single submitter. Criteria: Ambry Variant Classification Scheme 2023. Collection method: clinical testing. Allele origin: germline.

Labcorp Genetics (formerly Invitae), Labcorp
Classification: Uncertain significance for Cognitive impairment - coarse facies - heart defects - obesity - pulmonary involvement - short stature - skeletal dysplasia syndrome. Last evaluated: 2024-11-16. Review status: criteria provided, single submitter. Criteria: Invitae Variant Classification Sherloc (09022015). Collection method: clinical testing. Allele origin: germline.
Comment: This sequence change replaces asparagine, which is neutral and polar, with histidine, which is basic and polar, at codon 282 of the AFF4 protein (p.Asn282His). This variant is present in population databases (rs760426736, gnomAD 0.06%), and has an allele count higher than expected for a pathogenic variant. This variant has not been reported in the literature in individuals affected with AFF4-related conditions. ClinVar contains an entry for this variant (Variation ID: 1422477). Invitae Evidence Modeling of protein sequence and biophysical properties (such as structural, functional, and spatial information, amino acid conservation, physicochemical variation, residue mobility, and thermodynamic stability) has been performed for this missense variant. However, the output from this modeling did not meet the statistical confidence thresholds required to predict the impact of this variant on AFF4 protein function. In summary, the available evidence is currently insufficient to determine the role of this variant in disease. Therefore, it has been classified as a Variant of Uncertain Significance.

PreventionGenetics, part of Exact Sciences
Classification: Likely benign for AFF4-related condition. Last evaluated: 2022-02-23. Review status: no assertion criteria provided. Collection method: clinical testing. Allele origin: germline. Not counted in ClinVar's aggregate classification.
Comment: This variant is classified as likely benign based on ACMG/AMP sequence variant interpretation guidelines (Richards et al. 2015 PMID: 25741868, with internal and published modifications).

NM_014423.4(AFF4):c.844A>C (p.Asn282His)

Gene: AFF4 (ALF transcription elongation factor 4; minus strand). Cytogenetic location: 5q31.1.
Variant type: single nucleotide variant.
Coding change: c.844A>C on transcript NM_014423.4 (MANE Select); coding-DNA position 844, A replaced by C.
Protein change: p.Asn282His; replaces asparagine 282 with histidine.
Molecular consequence: missense variant.
Genome position (GRCh38, 1-based): chr5:132,934,221, T>G on the plus strand (A>C on the coding strand, the complement: AFF4 is on the minus strand). VCF-style: chr5-132934221-T-G. GRCh37 (hg19) VCF-style: chr5-132269913-T-G.
Other names: c.844A>C (NM_014423.3); short protein forms N282H.
Identifiers: ClinVar variation 1422477 (VCV001422477.9), dbSNP rs760426736, ClinGen allele CA3409363.